The following is an entry in ClinVar:

ClinVar aggregate classification (germline): Uncertain significance. Review status: criteria provided, multiple submitters, no conflicts (2 of 4 stars). 2 submissions from 2 submitters: Uncertain significance (2). Last evaluated 2025-08-11.

Conditions:
Inborn genetic diseases. Identifiers: MedGen C0950123, MeSH D030342.
Deficiency of malonyl-CoA decarboxylase. Also called: Malonic aciduria; MCD deficiency. Identifiers: Orphanet 943, MedGen C0342793, MONDO:0009556, OMIM 248360.

Allele frequency attached by ClinVar (database versions not stated): gnomAD 0.00004 and 0.00005; gnomAD exomes 0.00006 and 0.00012.

Submissions (2):

Ambry Genetics
Classification: Uncertain significance for Inborn genetic diseases. Last evaluated: 2025-08-11. Review status: criteria provided, single submitter. Criteria: Ambry Variant Classification Scheme 2023. Collection method: clinical testing. Allele origin: germline.

Labcorp Genetics (formerly Invitae), Labcorp
Classification: Uncertain significance for Deficiency of malonyl-CoA decarboxylase. Last evaluated: 2024-08-12. Review status: criteria provided, single submitter. Criteria: Invitae Variant Classification Sherloc (09022015). Collection method: clinical testing. Allele origin: germline.
Comment: This sequence change replaces glycine, which is neutral and non-polar, with glutamic acid, which is acidic and polar, at codon 172 of the MLYCD protein (p.Gly172Glu). This variant is present in population databases (no rsID available, gnomAD 0.01%). This variant has not been reported in the literature in individuals affected with MLYCD-related conditions. ClinVar contains an entry for this variant (Variation ID: 1518450). Advanced modeling of protein sequence and biophysical properties (such as structural, functional, and spatial information, amino acid conservation, physicochemical variation, residue mobility, and thermodynamic stability) performed at Invitae indicates that this missense variant is expected to disrupt MLYCD protein function with a positive predictive value of 80%. In summary, the available evidence is currently insufficient to determine the role of this variant in disease. Therefore, it has been classified as a Variant of Uncertain Significance.

NM_012213.3(MLYCD):c.515G>A (p.Gly172Glu)

Genes: MLYCD (malonyl-CoA decarboxylase; plus strand), LOC130059555 (ATAC-STARR-seq lymphoblastoid silent region 7770; plus strand). Cytogenetic location: 16q23.3.
Variant type: single nucleotide variant.
Coding change: c.515G>A on transcript NM_012213.3 (MANE Select); coding-DNA position 515, G replaced by A.
Protein change: p.Gly172Glu; replaces glycine 172 with glutamic acid.
Molecular consequence: missense variant.
Genome position (GRCh38, 1-based): chr16:83,899,659, G>A. VCF-style: chr16-83899659-G-A. GRCh37 (hg19) VCF-style: chr16-83933264-G-A.
Other names: c.515G>A (NM_012213.2); short protein forms G172E.
Identifiers: ClinVar variation 1518450 (VCV001518450.10), dbSNP rs891464883, ClinGen allele CA285421730.